The following is an entry in ClinVar:

NM_001029883.3(PCARE):c.1432G>A (p.Ala478Thr)

Gene: PCARE (photoreceptor cilium actin regulator; minus strand). Cytogenetic location: 2p23.2.
Variant type: single nucleotide variant.
Coding change: c.1432G>A on transcript NM_001029883.3 (MANE Select); coding-DNA position 1432, G replaced by A.
Protein change: p.Ala478Thr; replaces alanine 478 with threonine.
Molecular consequence: missense variant.
Genome position (GRCh38, 1-based): chr2:29,072,830, C>T on the plus strand (G>A on the coding strand, the complement: PCARE is on the minus strand). VCF-style: chr2-29072830-C-T. GRCh37 (hg19) VCF-style: chr2-29295696-C-T.
Other names: short protein forms A478T.
Identifiers: ClinVar variation 894965 (VCV000894965.12), dbSNP rs201444022, ClinGen allele CA1592422.

ClinVar aggregate classification (germline): Uncertain significance. Review status: criteria provided, multiple submitters, no conflicts (2 of 4 stars). 3 submissions from 3 submitters: Uncertain significance (3). Last evaluated 2026-08-31.

Conditions:
Retinitis pigmentosa (RP). Identifiers: Orphanet 791, MedGen C0035334, MeSH D012174, MONDO:0019200, OMIM 268000. Inheritance: Autosomal dominant, autosomal recessive and X linked inheritance.
PCARE-related disorder. Also called: PCARE-related condition.

Allele frequency attached by ClinVar (database versions not stated): gnomAD exomes 0.00003; ExAC 0.00004; TOPMed 0.00007; gnomAD 0.00008 and 0.00009.
gnomAD v4.1: 51 of 1,614,134 alleles (0.0032%); highest among the groups gnomAD compares: African/African-American, 0.0053%; no homozygotes.

Submissions (3):

PreventionGenetics, part of Exact Sciences
Classification: Uncertain significance for PCARE-related condition. Last evaluated: 2026-08-31. Review status: criteria provided, single submitter. Criteria: ACMG Guidelines, 2015. Collection method: clinical testing. Allele origin: germline.
Comment: The PCARE c.1432G>A variant is predicted to result in the amino acid substitution p.Ala478Thr. To our knowledge, this variant has not been reported in the literature. This variant is reported in 0.0065% of alleles in individuals of South Asian descent in gnomAD. At this time, the clinical significance of this variant is uncertain due to the absence of conclusive functional and genetic evidence.

Labcorp Genetics (formerly Invitae), Labcorp
Classification: Uncertain significance. Last evaluated: 2022-10-13. Review status: criteria provided, single submitter. Criteria: Invitae Variant Classification Sherloc (09022015). Collection method: clinical testing. Allele origin: germline.
Comment: This sequence change replaces alanine, which is neutral and non-polar, with threonine, which is neutral and polar, at codon 478 of the PCARE protein (p.Ala478Thr). This variant is present in population databases (rs201444022, gnomAD 0.008%). This variant has not been reported in the literature in individuals affected with PCARE-related conditions. ClinVar contains an entry for this variant (Variation ID: 894965). Algorithms developed to predict the effect of missense changes on protein structure and function output the following: SIFT: "Tolerated"; PolyPhen-2: "Benign"; Align-GVGD: "Class C0". The threonine amino acid residue is found in multiple mammalian species, which suggests that this missense change does not adversely affect protein function. In summary, the available evidence is currently insufficient to determine the role of this variant in disease. Therefore, it has been classified as a Variant of Uncertain Significance.

Illumina Laboratory Services, Illumina
Classification: Uncertain significance for Retinitis pigmentosa. Last evaluated: 2017-04-27. Review status: criteria provided, single submitter. Criteria: ICSL Variant Classification Criteria 13 December 2019. Collection method: clinical testing. Allele origin: germline.